The following is an entry in ClinVar:

ClinVar aggregate classification (germline): Pathogenic. Review status: criteria provided, multiple submitters, no conflicts (2 of 4 stars). 6 submissions from 6 submitters: Pathogenic (3). 3 of the submissions do not count toward it. Last evaluated 2023-05-21.

Conditions:
Charcot-Marie-Tooth disease type 2I (CMT2I). Also called: CHARCOT-MARIE-TOOTH DISEASE, AXONAL, TYPE 2I. Identifiers: Orphanet 99942, MedGen C3888087, MONDO:0011889, OMIM 607677.
Charcot-Marie-Tooth disease type 2J (CMT2J). Also called: CHARCOT-MARIE-TOOTH DISEASE, AXONAL, TYPE 2J; CHARCOT-MARIE-TOOTH DISEASE, TYPE 2, WITH HEARING LOSS AND PUPILLARY ABNORMALITIES; CHARCOT-MARIE-TOOTH NEUROPATHY, TYPE 2J. Identifiers: Orphanet 99943, MedGen C1843153, MONDO:0011903, OMIM 607736.
Charcot-Marie-Tooth disease type 1B. Also called: Charcot-Marie-Tooth disease, type IB; Charcot-Marie-Tooth disease, demyelinating, type 1b; Hereditary motor and sensory neuropathy 1B; CHARCOT-MARIE-TOOTH DISEASE, AUTOSOMAL DOMINANT, WITH FOCALLY FOLDED MYELIN SHEATHS, TYPE 1B; CHARCOT-MARIE-TOOTH DISEASE, SLOW NERVE CONDUCTION TYPE, LINKED TO DUFFY; CHARCOT-MARIE-TOOTH NEUROPATHY, TYPE 1B. Identifiers: Orphanet 101082, MedGen C0270912, MONDO:0007307, OMIM 118200.
Charcot-Marie-Tooth disease dominant intermediate D. Also called: Charcot-Marie-Tooth disease dominant intermediate 3; CMT DI3; CHARCOT-MARIE-TOOTH NEUROPATHY, DOMINANT INTERMEDIATE D. Identifiers: Orphanet 100046, MedGen C1843075, MONDO:0011909, OMIM 607791.
Charcot-Marie-Tooth disease, type I (CMT1). Also called: Charcot-Marie-Tooth, Type 1; Charcot-Marie-Tooth disease type 1. Identifiers: Orphanet 65753, MedGen C0751036, MONDO:0019011.
Charcot-Marie-Tooth disease. Also called: Charcot-Marie-Tooth Hereditary Neuropathy; Charcot-Marie-Tooth Neuropathy. Identifiers: Orphanet 166, MedGen C0007959, MONDO:0015626.

Submissions (6):

Labcorp Genetics (formerly Invitae), Labcorp
Classification: Pathogenic for Charcot-Marie-Tooth disease, type I. Last evaluated: 2023-05-21. Review status: criteria provided, single submitter. Criteria: Invitae Variant Classification Sherloc (09022015). Collection method: clinical testing. Allele origin: germline.
Comment: For these reasons, this variant has been classified as Pathogenic. Experimental studies have shown that this missense change affects MPZ function (PMID: 18337304). Advanced modeling of protein sequence and biophysical properties (such as structural, functional, and spatial information, amino acid conservation, physicochemical variation, residue mobility, and thermodynamic stability) has been performed at Invitae for this missense variant, however the output from this modeling did not meet the statistical confidence thresholds required to predict the impact of this variant on MPZ protein function. ClinVar contains an entry for this variant (Variation ID: 14179). This variant is also known as H52R. This missense change has been observed in individual(s) with Charcot-Marie-Tooth disease (PMID: 8990016). It has also been observed to segregate with disease in related individuals. This variant is not present in population databases (gnomAD no frequency). This sequence change replaces histidine, which is basic and polar, with arginine, which is basic and polar, at codon 81 of the MPZ protein (p.His81Arg).

Athena Diagnostics
Classification: Pathogenic. Last evaluated: 2015-05-28. Review status: criteria provided, single submitter. Criteria: Athena Diagnostics Criteria. Collection method: clinical testing. Allele origin: unknown.
Comment: Not found in the total gnomAD dataset, and the data is high quality. Assessment of experimental evidence suggests this variant results in abnormal protein function. Segregates with disease in multiple families

Juno Genomics, Hangzhou Juno Genomics, Inc
Classification: Pathogenic for Charcot-Marie-Tooth disease dominant intermediate D; Charcot-Marie-Tooth disease type 1B; Charcot-Marie-Tooth disease type 2I; Charcot-Marie-Tooth disease type 2J. Review status: criteria provided, single submitter. Criteria: ACMG Guidelines, 2015. Collection method: clinical testing. Allele origin: germline. Affected: yes.
Comment: Absent from controls (or at extremely low frequency if recessive) in Genome Aggregation Database, Exome Sequencing Project, 1000 Genomes Project, or Exome Aggregation Consortium.;The prevalence of the variant in affected individuals is significantly increased compared to the prevalence in controls.;Co-segregation with disease in multiple affected family members in a gene definitively known to cause the disease.;Patient's phenotype or family history is highly specific for a disease with a single genetic etiology.;Well-established in vitro or in vivo functional studies supportive of a damaging effect on the gene or gene product.

OMIM
Classification: Pathogenic for CHARCOT-MARIE-TOOTH DISEASE, TYPE 1B. Last evaluated: 1997-01-01. Review status: no assertion criteria provided. Collection method: literature only. Allele origin: germline. Not counted in ClinVar's aggregate classification.

GeneReviews
No classification provided. Condition: Charcot-Marie-Tooth disease type 1B. Review status: no classification provided. Collection method: literature only. Allele origin: unknown. Not counted in ClinVar's aggregate classification.

Inherited Neuropathy Consortium
Classification: Uncertain significance for Charcot-Marie-Tooth disease. Review status: no assertion criteria provided. Collection method: literature only. Allele origin: germline. Affected: yes. Not counted in ClinVar's aggregate classification.

Literature cited by the submitters: PubMed 18337304 (cited by Labcorp Genetics (formerly Invitae), Labcorp and Athena Diagnostics); PubMed 8990016 (cited by 4 submitters); PubMed 10475757 (cited by Athena Diagnostics); PubMed 21840889 (cited by Athena Diagnostics); PubMed 20301384 (cited by GeneReviews); NCBI Bookshelf NBK1205 (cited by GeneReviews).

NM_000530.8(MPZ):c.242A>G (p.His81Arg)

Gene: MPZ (myelin protein zero; minus strand). Cytogenetic location: 1q23.3.
Variant type: single nucleotide variant.
Coding change: c.242A>G on transcript NM_000530.8 (MANE Select); coding-DNA position 242, A replaced by G.
Protein change: p.His81Arg; replaces histidine 81 with arginine.
Molecular consequence: missense variant.
Genome position (GRCh38, 1-based): chr1:161,306,914, T>C on the plus strand (A>G on the coding strand, the complement: MPZ is on the minus strand). VCF-style: chr1-161306914-T-C. GRCh37 (hg19) VCF-style: chr1-161276704-T-C.
Other names: c.242A>G, p.His81Arg (NM_001315491.2, LRG_256t1); short protein forms H81R.
Identifiers: ClinVar variation 14179 (VCV000014179.15), dbSNP rs121913594, ClinGen allele CA341323.